The following is an entry in ClinVar:

NM_006421.5(ARFGEF1):c.2345G>A (p.Arg782His)

Gene: ARFGEF1 (ARF guanine nucleotide exchange factor 1; minus strand). Cytogenetic location: 8q13.2.
Variant type: single nucleotide variant.
Coding change: c.2345G>A on transcript NM_006421.5 (MANE Select); coding-DNA position 2345, G replaced by A.
Protein change: p.Arg782His; replaces arginine 782 with histidine.
Molecular consequence: missense variant. On other transcripts: non-coding transcript variant (1).
Genome position (GRCh38, 1-based): chr8:67,258,181, C>T on the plus strand (G>A on the coding strand, the complement: ARFGEF1 is on the minus strand). VCF-style: chr8-67258181-C-T. GRCh37 (hg19) VCF-style: chr8-68170416-C-T.
Other names: c.2345G>A, p.Arg782His (NM_001413184.1, NM_001413185.1, NM_001413186.1 and 7 more transcripts); c.1745G>A, p.Arg582His (NM_001413188.1, NM_001413193.1, NM_001413197.1); c.920G>A, p.Arg307His (NM_001413196.1); short protein forms R307H, R582H, R782H.
Identifiers: ClinVar variation 3368141 (VCV003368141.2).

ClinVar aggregate classification (germline): Uncertain significance. Review status: criteria provided, multiple submitters, no conflicts (2 of 4 stars). 2 submissions from 2 submitters: Uncertain significance (2). Last evaluated 2024-03-19.

Submissions (2):

Blueprint Genetics
Classification: Uncertain significance. Last evaluated: 2024-03-19. Review status: criteria provided, single submitter. Criteria: ACMG Guidelines, 2015. Collection method: clinical testing. Allele origin: germline.

GeneDx
Classification: Uncertain significance. Last evaluated: 2024-01-22. Review status: criteria provided, single submitter. Criteria: GeneDx Variant Classification Process June 2021. Collection method: clinical testing. Allele origin: germline. Affected: yes.
Comment: Not observed at significant frequency in large population cohorts (gnomAD); In silico analysis supports that this missense variant has a deleterious effect on protein structure/function; Has not been previously published as pathogenic or benign to our knowledge